The following is an entry in ClinVar:

ClinVar aggregate classification (germline): Likely benign. Review status: criteria provided, single submitter (1 of 4 stars). 2 submissions from 2 submitters: Likely benign (1). 1 of the submissions does not count toward it. Last evaluated 2024-11-11.

Conditions:
TUBB-related disorder. Also called: TUBB-related condition.

Allele frequency attached by ClinVar (database versions not stated): gnomAD exomes 0.00003; gnomAD 0.00009; 1000 Genomes Project 30x 0.00016; TOPMed 0.00016; 1000 Genomes Project 0.00020.
gnomAD v4.1: 87 of 865,360 alleles (0.01%); highest among the groups gnomAD compares: East Asian, 0.19%; 3 homozygotes.

Submissions (2):

Blueprint Genetics
Classification: Likely benign. Last evaluated: 2024-11-11. Review status: criteria provided, single submitter. Criteria: ACMG Guidelines, 2015. Collection method: clinical testing. Allele origin: germline.

PreventionGenetics, part of Exact Sciences
Classification: Likely benign for TUBB-related condition. Last evaluated: 2023-07-29. Review status: no assertion criteria provided. Collection method: clinical testing. Allele origin: germline. Not counted in ClinVar's aggregate classification.
Comment: This variant is classified as likely benign based on ACMG/AMP sequence variant interpretation guidelines (Richards et al. 2015 PMID: 25741868, with internal and published modifications).

NM_178014.4(TUBB):c.58-567A>G

Gene: TUBB (tubulin beta class I; plus strand). Cytogenetic location: 6p21.33.
Variant type: single nucleotide variant.
Coding change: c.58-567A>G on transcript NM_178014.4 (MANE Select); 567 bases into the intron before coding-DNA position 58, A replaced by G.
Molecular consequence: intron variant. On other transcripts: missense variant (1).
Genome position (GRCh38, 1-based): chr6:30,721,970, A>G. VCF-style: chr6-30721970-A-G. GRCh37 (hg19) VCF-style: chr6-30689747-A-G.
Other names: c.92A>G, p.His31Arg (NM_001293212.2); c.58-567A>G (NM_001293213.2); c.35-948A>G (NM_001293214.2); c.-160+72A>G (NM_001293215.2); c.-160+173A>G (NM_001293216.2); short protein forms H31R.
Identifiers: ClinVar variation 3052561 (VCV003052561.3), dbSNP rs369813241, ClinGen allele CA136808597.